The following is an entry in ClinVar:

ClinVar aggregate classification (germline): Uncertain significance. Review status: criteria provided, multiple submitters, no conflicts (2 of 4 stars). 2 submissions from 2 submitters: Uncertain significance (2). Last evaluated 2022-01-19.

Conditions:
Lethal polymalformative syndrome, Boissel type. Also called: GROWTH RETARDATION, DEVELOPMENTAL DELAY, AND FACIAL DYSMORPHISM. Identifiers: Orphanet 210144, MedGen C2752001, MONDO:0013050, OMIM 612938.

Allele frequency attached by ClinVar (database versions not stated): gnomAD 0.00001; ExAC 0.00005; TOPMed 0.00005; gnomAD exomes 0.00006; ESP Exome Variant Server 0.00015.
gnomAD v4.1: 49 of 1,613,848 alleles (0.003%); highest among the groups gnomAD compares: African/African-American, 0.004%; no homozygotes.

Submissions (2):

Labcorp Genetics (formerly Invitae), Labcorp
Classification: Uncertain significance. Last evaluated: 2022-01-19. Review status: criteria provided, single submitter. Criteria: Invitae Variant Classification Sherloc (09022015). Collection method: clinical testing. Allele origin: germline.
Comment: This sequence change replaces valine, which is neutral and non-polar, with methionine, which is neutral and non-polar, at codon 428 of the FTO protein (p.Val428Met). This variant is present in population databases (rs371704660, gnomAD 0.009%). This variant has not been reported in the literature in individuals affected with FTO-related conditions. ClinVar contains an entry for this variant (Variation ID: 886840). Algorithms developed to predict the effect of missense changes on protein structure and function output the following: SIFT: "Tolerated"; PolyPhen-2: "Benign"; Align-GVGD: "Class C0". The methionine amino acid residue is found in multiple mammalian species, which suggests that this missense change does not adversely affect protein function. In summary, the available evidence is currently insufficient to determine the role of this variant in disease. Therefore, it has been classified as a Variant of Uncertain Significance.

Illumina Laboratory Services, Illumina
Classification: Uncertain significance for Lethal polymalformative syndrome, Boissel type. Last evaluated: 2018-01-12. Review status: criteria provided, single submitter. Criteria: ICSL Variant Classification Criteria 13 December 2019. Collection method: clinical testing. Allele origin: germline.

NM_001080432.3(FTO):c.1282G>A (p.Val428Met)

Gene: FTO (FTO alpha-ketoglutarate dependent dioxygenase; plus strand). Cytogenetic location: 16q12.2.
Variant type: single nucleotide variant.
Coding change: c.1282G>A on transcript NM_001080432.3 (MANE Select); coding-DNA position 1282, G replaced by A.
Protein change: p.Val428Met; replaces valine 428 with methionine.
Molecular consequence: missense variant. On other transcripts: non-coding transcript variant (1), intron variant (2).
Genome position (GRCh38, 1-based): chr16:53,934,027, G>A. VCF-style: chr16-53934027-G-A. GRCh37 (hg19) VCF-style: chr16-53967939-G-A.
Other names: c.1312G>A, p.Val438Met (NM_001363891.2); c.1345G>A, p.Val449Met (NM_001363894.2); c.1204G>A, p.Val402Met (NM_001363897.2); c.1168G>A, p.Val390Met (NM_001363898.2, NM_001363899.2); c.1138G>A, p.Val380Met (NM_001363900.2, NM_001363901.2); c.769G>A, p.Val257Met (NM_001363905.2); c.1282G>A, p.Val428Met (NM_001363988.2, NM_001438128.1, NM_001438129.1 and 1 more transcripts); c.1240-22656G>A (NM_001363896.2); and 1 more; short protein forms V380M, V438M, V402M, V257M, V390M, V449M, V428M.
Identifiers: ClinVar variation 886840 (VCV000886840.5), dbSNP rs371704660, ClinGen allele CA8058599.